The following is an entry in ClinVar:

ClinVar aggregate classification (germline): Uncertain significance (1 of 4 stars; one submission).

gnomAD v4.1: 3 of 1,614,104 alleles (0.00019%); highest among the groups gnomAD compares: South Asian, 0.0022%; no homozygotes.

Submission:

Ambry Genetics
Classification: Uncertain significance. Last evaluated: 2024-04-22. Review status: criteria provided, single submitter. Criteria: Ambry Variant Classification Scheme 2023. Collection method: clinical testing. Allele origin: germline.
Comment: The p.F1934S variant (also known as c.5801T>C), located in coding exon 8 of the ALPK2 gene, results from a T to C substitution at nucleotide position 5801. The phenylalanine at codon 1934 is replaced by serine, an amino acid with highly dissimilar properties. This amino acid position is conserved. In addition, the in silico prediction for this alteration is inconclusive. Based on the available evidence, the clinical significance of this variant remains unclear.

NM_052947.4(ALPK2):c.5801T>C (p.Phe1934Ser)

Gene: ALPK2 (alpha kinase 2; minus strand). Cytogenetic location: 18q21.31.
Variant type: single nucleotide variant.
Coding change: c.5801T>C on transcript NM_052947.4 (MANE Select); coding-DNA position 5801, T replaced by C.
Protein change: p.Phe1934Ser; replaces phenylalanine 1934 with serine.
Molecular consequence: missense variant.
Genome position (GRCh38, 1-based): chr18:58,517,047, A>G on the plus strand (T>C on the coding strand, the complement: ALPK2 is on the minus strand). VCF-style: chr18-58517047-A-G. GRCh37 (hg19) VCF-style: chr18-56184279-A-G.
Other names: short protein forms F1934S.
Identifiers: ClinVar variation 3290163 (VCV003290163.1).
Genomic context (GRCh38, chr18:58,517,047, plus strand): 5'-AGCACACAGGCATGGCCAGGTTTGAAGACAGGCATGAGGCCGTGCATCACTGTGCTGCGG[A>G]AGGCTTTGCGGTGAACCCCTTCTCCAAAGTGCAGCTCCTCCGTGGCGATCTGACCACGCA-3'
Protein context (NP_443179.3, residues 1924-1944): HFGEGVHRKA[Phe1934Ser]RSTVMHGLMP